The following is an entry in ClinVar:

NM_000057.4(BLM):c.3613G>A (p.Val1205Ile)

Gene: BLM (BLM RecQ like helicase; plus strand). Cytogenetic location: 15q26.1.
Variant type: single nucleotide variant.
Coding change: c.3613G>A on transcript NM_000057.4 (MANE Select); coding-DNA position 3613, G replaced by A.
Protein change: p.Val1205Ile; replaces valine 1205 with isoleucine.
Molecular consequence: missense variant. On other transcripts: intron variant (1).
Genome position (GRCh38, 1-based): chr15:90,804,221, G>A. VCF-style: chr15-90804221-G-A. GRCh37 (hg19) VCF-style: chr15-91347451-G-A.
Other names: c.3613G>A (LRG_20t1); c.3613G>A, p.Val1205Ile (NM_001287246.2); c.2488G>A, p.Val830Ile (NM_001287248.2); c.3359-4916G>A (NM_001287247.2); short protein forms V1205I, V830I.
Identifiers: ClinVar variation 133701 (VCV000133701.27), dbSNP rs28385141, ClinGen allele CA157394.

ClinVar aggregate classification (germline): Benign/Likely benign. Review status: criteria provided, multiple submitters, no conflicts (2 of 4 stars). 12 submissions from 12 submitters: Benign (4); Likely benign (6). 2 of the submissions do not count toward it. Last evaluated 2026-06-12.

Conditions:
Hereditary cancer-predisposing syndrome. Also called: Tumor predisposition; Hereditary neoplastic syndrome; Neoplastic Syndromes, Hereditary; Hereditary Cancer Syndrome. Identifiers: Orphanet 140162, MedGen C0027672, MeSH D009386, MONDO:0015356.
Bloom syndrome (BLM). Also called: Bloom-Torre-Machacek syndrome. Identifiers: Orphanet 125, MedGen C0005859, MONDO:0008876, OMIM 210900.

Allele frequency attached by ClinVar (database versions not stated): 1000 Genomes Project 0.00220; gnomAD 0.00228 and 0.00245; ESP Exome Variant Server 0.00231; TOPMed 0.00243; 1000 Genomes Project 30x 0.00265; gnomAD exomes 0.00059; ExAC 0.00065.
gnomAD v4.1: 626 of 1,614,150 alleles (0.039%); highest among the groups gnomAD compares: African/African-American, 0.7%; 2 homozygotes.

Submissions (12):

Myriad Genetics, Inc.
Classification: Likely benign for Bloom syndrome. Last evaluated: 2026-06-12. Review status: criteria provided, single submitter. Criteria: Myriad Autosomal Dominant, Autosomal Recessive and X-Linked Classification Criteria (2023). Collection method: clinical testing. Allele origin: unknown.
Comment: This variant is considered likely benign. Homozygosity for this variant has been confirmed in one or more individuals lacking clinical features consistent with gene-specific recessive disease, indicating that this variant is unlikely to be pathogenic.

Labcorp Genetics (formerly Invitae), Labcorp
Classification: Benign for Bloom syndrome. Last evaluated: 2026-02-03. Review status: criteria provided, single submitter. Criteria: Invitae Variant Classification Sherloc (09022015). Collection method: clinical testing. Allele origin: germline.

Women's Health and Genetics/Laboratory Corporation of America, LabCorp
Classification: Likely benign. Last evaluated: 2025-05-30. Review status: criteria provided, single submitter. Criteria: LabCorp Variant Classification Summary - May 2015. Collection method: clinical testing. Allele origin: germline.
Comment: Variant summary: BLM c.3613G>A (p.Val1205Ile) results in a conservative amino acid change in the encoded protein sequence. Algorithms developed to predict the effect of missense changes on protein structure and function are either unavailable or do not agree on the potential impact of this missense change. The variant allele was found at a frequency of 0.00059 in 252670 control chromosomes, predominantly at a frequency of 0.0081 within the African or African-American subpopulation in the gnomAD database, including one homozygote. The observed variant frequency within African or African-American control individuals in the gnomAD database is approximately 2.29 fold of the estimated maximal expected allele frequency for a pathogenic variant in BLM causing Bloom Syndrome phenotype (0.0035). c.3613G>A has not been observed in individuals affected with Bloom Syndrome and was reported in healthy controls (Bodian_2014). To our knowledge, no experimental evidence demonstrating an impact on protein function has been reported. The following publication has been ascertained in the context of this evaluation (PMID: 24728327). ClinVar contains an entry for this variant (Variation ID: 133701). Based on the evidence outlined above, the variant was classified as likely benign.

Blueprint Genetics
Classification: Likely benign. Last evaluated: 2024-10-23. Review status: criteria provided, single submitter. Criteria: ACMG Guidelines, 2015. Collection method: clinical testing. Allele origin: germline.

ARUP Laboratories, Molecular Genetics and Genomics, ARUP Laboratories
Classification: Likely benign for Bloom syndrome. Last evaluated: 2024-06-12. Review status: criteria provided, single submitter. Criteria: ARUP Molecular Germline Variant Investigation Process 2024. Collection method: clinical testing. Allele origin: germline.

KCCC/NGS Laboratory, Kuwait Cancer Control Center
Classification: Likely benign for Bloom syndrome. Last evaluated: 2023-07-07. Review status: criteria provided, single submitter. Criteria: ACMG Guidelines, 2015. Collection method: clinical testing. Allele origin: germline. Affected: yes.

Sema4
Classification: Benign for Hereditary cancer-predisposing syndrome. Last evaluated: 2021-04-01. Review status: criteria provided, single submitter. Criteria: Sema4 Curation Guidelines. Collection method: curation. Allele origin: germline.

Genetic Services Laboratory, University of Chicago
Classification: Benign. Last evaluated: 2021-03-05. Review status: criteria provided, single submitter. Criteria: ACMG Guidelines, 2015. Collection method: clinical testing. Allele origin: germline. Affected: no.

Mendelics
Classification: Likely benign for Bloom syndrome. Last evaluated: 2019-05-28. Review status: criteria provided, single submitter. Criteria: Mendelics Assertion Criteria 2017. Collection method: clinical testing. Allele origin: unknown.

Ambry Genetics
Classification: Benign for Hereditary cancer-predisposing syndrome. Last evaluated: 2018-07-02. Review status: criteria provided, single submitter. Criteria: Ambry Variant Classification Scheme 2023. Collection method: clinical testing. Allele origin: germline.

Natera, Inc.
Classification: Benign for Bloom syndrome. Last evaluated: 2020-06-01. Review status: no assertion criteria provided. Collection method: clinical testing. Allele origin: germline. Not counted in ClinVar's aggregate classification.

ITMI
No classification provided. Condition: AllHighlyPenetrant. Last evaluated: 2013-09-19. Review status: no classification provided. Collection method: reference population. Allele origin: germline. Not counted in ClinVar's aggregate classification.
Comment: Please see associated publication for description of ethnicities

Literature cited by the submitters: PubMed 24728327 (cited by 3 submitters); PubMed 23129629 (cited by Women's Health and Genetics/Laboratory Corporation of America, LabCorp).